The following is an entry in ClinVar:

ClinVar aggregate classification (germline): Uncertain significance. Review status: criteria provided, multiple submitters, no conflicts (2 of 4 stars). 2 submissions from 2 submitters: Uncertain significance (2). Last evaluated 2011-08-12.

Submissions (2):

ISCA site 14
Classification: Uncertain significance. Last evaluated: 2011-08-12. Review status: criteria provided, single submitter. Criteria: Kaminsky et al. (Genet Med. 2011). Collection method: clinical testing. Allele origin: unknown. Affected: yes. Observed: 1 variant allele.
Comment: Copy number variation identified through the course of routine clinical cytogenomic testing in postnatal populations. Clinical assertions have been curated as described in Kaminsky et al. 2011.

ISCA site 4
Classification: Uncertain significance. Last evaluated: 2011-08-12. Review status: criteria provided, single submitter. Criteria: Kaminsky et al. (Genet Med. 2011). Collection method: clinical testing. Allele origin: maternal, unknown. Affected: yes. Observed: 4 variant alleles. Clinical features observed: Gonadal dysgenesis (HP:0000133), Global developmental delay (HP:0001263), Developmental delay AND/OR other significant developmental or morphological phenotypes.
Comment: the same text as in the submission from ISCA site 14 above.

GRCh38/hg38 16p12.2(chr16:21826171-22396610)x1

Genes: CDR2 (cerebellar degeneration related protein 2), CDR2-DT (CDR2 divergent transcript), EEF2K (eukaryotic elongation factor 2 kinase), MOSMO (modulator of smoothened), NPIPB4 (nuclear pore complex interacting protein family member B4) and 33 more. Cytogenetic location: 16p12.2.
Variant type: copy number loss.
Change: copy number 1 (one copy instead of two) of chr16:21,826,171-22,396,610 (570.4 kb, GRCh38 coordinates, 1-based), cytogenetic band 16p12.2.
Identifiers: ClinVar variation 160908 (VCV000160908.2).